The following is an entry in ClinVar:

NM_001171.6(ABCC6):c.1617C>A (p.Phe539Leu)

Gene: ABCC6 (ATP binding cassette subfamily C member 6; minus strand). Cytogenetic location: 16p13.11.
Variant type: single nucleotide variant.
Coding change: c.1617C>A on transcript NM_001171.6 (MANE Select); coding-DNA position 1617, C replaced by A.
Protein change: p.Phe539Leu; replaces phenylalanine 539 with leucine.
Molecular consequence: missense variant. On other transcripts: non-coding transcript variant (1).
Genome position (GRCh38, 1-based): chr16:16,190,182, G>T on the plus strand (C>A on the coding strand, the complement: ABCC6 is on the minus strand). VCF-style: chr16-16190182-G-T. GRCh37 (hg19) VCF-style: chr16-16284039-G-T.
Other names: c.1275C>A, p.Phe425Leu (NM_001351800.1); short protein forms F425L, F539L.
Identifiers: ClinVar variation 1364467 (VCV001364467.8), dbSNP rs2152269915, ClinGen allele CA394889564.
Genomic context (GRCh38, chr16:16,190,182, plus strand): 5'-CTTCCCCAGTGCTGCTCAGCATAGAGACTAGAGTGACGTCACCAGAAATGTAGACACTTG[G>T]AAGGACACCAGCGACACAGAGAAGAGGAGGCCGGAGGTCCGCAAGGCGCCCAGCTCCTGG-3'
Protein context (NP_001162.5, residues 529-549): GLLFSVSLVS[Phe539Leu]QVSTFLVALV

ClinVar aggregate classification (germline): Uncertain significance (1 of 4 stars; one submission).

gnomAD v4.1: 3 of 1,613,890 alleles (0.00019%); highest among the groups gnomAD compares: Non-Finnish European, 0.00025%; no homozygotes.

Submission:

Labcorp Genetics (formerly Invitae), Labcorp
Classification: Uncertain significance. Last evaluated: 2024-02-24. Review status: criteria provided, single submitter. Criteria: Invitae Variant Classification Sherloc (09022015). Collection method: clinical testing. Allele origin: germline.
Comment: This sequence change replaces phenylalanine, which is neutral and non-polar, with leucine, which is neutral and non-polar, at codon 539 of the ABCC6 protein (p.Phe539Leu). This variant is not present in population databases (gnomAD no frequency). This variant has not been reported in the literature in individuals affected with ABCC6-related conditions. ClinVar contains an entry for this variant (Variation ID: 1364467). Advanced modeling of protein sequence and biophysical properties (such as structural, functional, and spatial information, amino acid conservation, physicochemical variation, residue mobility, and thermodynamic stability) performed at Invitae indicates that this missense variant is expected to disrupt ABCC6 protein function with a positive predictive value of 95%. In summary, the available evidence is currently insufficient to determine the role of this variant in disease. Therefore, it has been classified as a Variant of Uncertain Significance.